The following is an entry in ClinVar:

NM_024513.4(FYCO1):c.*1686A>G

Gene: FYCO1 (FYVE and coiled-coil domain autophagy adaptor 1; minus strand). Cytogenetic location: 3p21.31.
Variant type: single nucleotide variant.
Coding change: c.*1686A>G on transcript NM_024513.4 (MANE Select); 1686 bases downstream of the stop codon, A replaced by G.
Molecular consequence: 3 prime UTR variant.
Genome position (GRCh38, 1-based): chr3:45,920,079, T>C on the plus strand (A>G on the coding strand, the complement: FYCO1 is on the minus strand). VCF-style: chr3-45920079-T-C. GRCh37 (hg19) VCF-style: chr3-45961571-T-C.
Identifiers: ClinVar variation 903632 (VCV000903632.4), dbSNP rs527649068, ClinGen allele CA73642679.

ClinVar aggregate classification (germline): Likely benign (1 of 4 stars; one submission).

Conditions:
Cataract 18 (CATC2). Also called: CATARACT 18, AUTOSOMAL RECESSIVE. Identifiers: Orphanet 91492, Orphanet 98991, Orphanet 98992, Orphanet 98995, MedGen C1864908, MONDO:0012395, OMIM 610019.

Allele frequency attached by ClinVar (database versions not stated): TOPMed 0.00093; 1000 Genomes Project 0.00300; 1000 Genomes Project 30x 0.00328.

Submission:

Illumina Laboratory Services, Illumina
Classification: Likely benign for Cataract 18. Last evaluated: 2018-01-13. Review status: criteria provided, single submitter. Criteria: ICSL Variant Classification Criteria 13 December 2019. Collection method: clinical testing. Allele origin: germline.
Comment: This variant was observed in the ICSL laboratory as part of a predisposition screen in an ostensibly healthy population. It had not been previously curated by ICSL or reported in the Human Gene Mutation Database (HGMD: prior to June 1st, 2018), and was therefore a candidate for classification through an automated scoring system. Utilizing variant allele frequency, disease prevalence and penetrance estimates, and inheritance mode, an automated score was calculated to assess if this variant is too frequent to cause the disease. Based on the score and internal cut-off values, a variant classified as likely benign is not then subjected to further curation. The score for this variant resulted in a classification of likely benign for this disease.